The following is an entry in ClinVar:

ClinVar aggregate classification (germline): Uncertain significance (1 of 4 stars; one submission).

Allele frequency attached by ClinVar (database versions not stated): gnomAD exomes below 0.00001; TOPMed below 0.00001.
gnomAD v4.1: 1 of 1,613,802 alleles (0.000062%); highest among the groups gnomAD compares: Admixed American, 0.0017%; no homozygotes.

Submission:

Labcorp Genetics (formerly Invitae), Labcorp
Classification: Uncertain significance. Last evaluated: 2024-11-04. Review status: criteria provided, single submitter. Criteria: Invitae Variant Classification Sherloc (09022015). Collection method: clinical testing. Allele origin: germline.
Comment: This sequence change replaces lysine, which is basic and polar, with glutamic acid, which is acidic and polar, at codon 733 of the HYOU1 protein (p.Lys733Glu). This variant is present in population databases (no rsID available, gnomAD 0.006%). This variant has not been reported in the literature in individuals affected with HYOU1-related conditions. ClinVar contains an entry for this variant (Variation ID: 2801690). An algorithm developed to predict the effect of missense changes on protein structure and function (PolyPhen-2) suggests that this variant is likely to be disruptive. In summary, the available evidence is currently insufficient to determine the role of this variant in disease. Therefore, it has been classified as a Variant of Uncertain Significance.

NM_006389.5(HYOU1):c.2197A>G (p.Lys733Glu)

Gene: HYOU1 (hypoxia up-regulated 1; minus strand). Cytogenetic location: 11q23.3.
Variant type: single nucleotide variant.
Coding change: c.2197A>G on transcript NM_006389.5 (MANE Select); coding-DNA position 2197, A replaced by G.
Protein change: p.Lys733Glu; replaces lysine 733 with glutamic acid.
Molecular consequence: missense variant.
Genome position (GRCh38, 1-based): chr11:119,048,532, T>C on the plus strand (A>G on the coding strand, the complement: HYOU1 is on the minus strand). VCF-style: chr11-119048532-T-C. GRCh37 (hg19) VCF-style: chr11-118919244-T-C.
Other names: c.2197A>G, p.Lys733Glu (NM_001130991.3, NM_001411041.1); short protein forms K733E.
Identifiers: ClinVar variation 2801690 (VCV002801690.3), dbSNP rs1413927751, ClinGen allele CA382925981.